The following is an entry in ClinVar:

NM_181507.2(HPS5):c.2951+1G>A

Gene: HPS5 (HPS5 biogenesis of lysosomal organelles complex 2 subunit 2; minus strand). Cytogenetic location: 11p15.1.
Variant type: single nucleotide variant.
Coding change: c.2951+1G>A on transcript NM_181507.2 (MANE Select); the canonical splice donor site of the intron after coding-DNA position 2951, G replaced by A.
Molecular consequence: splice donor variant.
Genome position (GRCh38, 1-based): chr11:18,285,345, C>T on the plus strand (G>A on the coding strand, the complement: HPS5 is on the minus strand). VCF-style: chr11-18285345-C-T. GRCh37 (hg19) VCF-style: chr11-18306892-C-T.
Other names: c.2609+1G>A (NM_181508.2, NM_001440921.1, NM_001440926.1 and 6 more transcripts); c.2840+1G>A (NM_001440915.1, NM_001440914.1, NM_001440913.1); c.2096+1G>A (NM_001440931.1); c.2795+1G>A (NM_001440917.1); c.2951+1G>A (NM_001440906.1, NM_001440905.1, NM_001440903.1 and 2 more transcripts); c.2876+1G>A (NM_001440907.1, NM_001440909.1, NM_001440908.1); c.2537+1G>A (NM_001440928.1, NM_001440927.1, NM_001440929.1); c.2489+1G>A (NM_001440930.1); and 3 more.
Identifiers: ClinVar variation 2835622 (VCV002835622.3), dbSNP rs1474973393, ClinGen allele CA379514289.
Genomic context (GRCh38, chr11:18,285,345, plus strand): 5'-TAAAGTTGTTAACTGAAATGTTTCTAACCTTAACTTCAGTTTCTAAAAAATTCTCACTTA[C>T]CCACAAGACCTGCAGATGTCTGTCATTTTCTCTTTGGTTATAAAATCTGCAGGAAGTTTA-3'

ClinVar aggregate classification (germline): Likely pathogenic (1 of 4 stars; one submission).

Allele frequency attached by ClinVar (database versions not stated): TOPMed below 0.00001.

Submission:

Labcorp Genetics (formerly Invitae), Labcorp
Classification: Likely pathogenic. Last evaluated: 2023-03-19. Review status: criteria provided, single submitter. Criteria: Invitae Variant Classification Sherloc (09022015). Collection method: clinical testing. Allele origin: germline.
Comment: This sequence change affects a donor splice site in intron 20 of the HPS5 gene. It is expected to disrupt RNA splicing. Variants that disrupt the donor or acceptor splice site typically lead to a loss of protein function (PMID: 16199547), and loss-of-function variants in HPS5 are known to be pathogenic (PMID: 12548288, 15296495, 21833017, 26785811). This variant is not present in population databases (gnomAD no frequency). This variant has not been reported in the literature in individuals affected with HPS5-related conditions. Algorithms developed to predict the effect of sequence changes on RNA splicing suggest that this variant may disrupt the consensus splice site. In summary, the currently available evidence indicates that the variant is pathogenic, but additional data are needed to prove that conclusively. Therefore, this variant has been classified as Likely Pathogenic.

Literature cited by the submitters: PubMed 16199547; PubMed 12548288; PubMed 15296495; PubMed 21833017; PubMed 26785811.